The following is an entry in ClinVar:

NM_001267550.2(TTN):c.23455G>C (p.Glu7819Gln)

Gene: TTN (titin; minus strand). Cytogenetic location: 2q31.2.
Variant type: single nucleotide variant.
Coding change: c.23455G>C on transcript NM_001267550.2 (MANE Select); coding-DNA position 23455, G replaced by C.
Protein change: p.Glu7819Gln; replaces glutamic acid 7819 with glutamine.
Molecular consequence: missense variant. On other transcripts: intron variant (3).
Genome position (GRCh38, 1-based): chr2:178,720,187, C>G on the plus strand (G>C on the coding strand, the complement: TTN is on the minus strand). VCF-style: chr2-178720187-C-G. GRCh37 (hg19) VCF-style: chr2-179584914-C-G.
Other names: p.Glu7502Gln; c.22504G>C, p.Glu7502Gln (NM_001256850.1); c.13282+17895G>C (NM_003319.4); c.13858+17895G>C (NM_133437.4); c.13657+17895G>C (NM_133432.3); c.19723G>C, p.Glu6575Gln (NM_133378.4); short protein forms E6575Q, E7819Q, E7502Q.
Identifiers: ClinVar variation 229399 (VCV000229399.70), dbSNP rs201420077, ClinGen allele CA2000623.

ClinVar aggregate classification (germline): Conflicting classifications of pathogenicity. Review status: criteria provided, conflicting classifications (1 of 4 stars). 15 submissions from 11 submitters: Uncertain significance (9); Benign (2); Likely benign (4). Last evaluated 2026-08-06.

Conditions:
TTN-related disorder. Also called: TTN-related condition; TTN-related disease; TTN-related disorders.
Early-onset myopathy with fatal cardiomyopathy (CMYO5). Also called: CONGENITAL MYOPATHY 5 WITH CARDIOMYOPATHY; Salih Myopathy. Identifiers: Orphanet 289377, MedGen C2673677, MONDO:0012714, OMIM 611705. Disease mechanism: loss of function.
Dilated cardiomyopathy 1G (CMD1G). Identifiers: Orphanet 154, MedGen C1858763, MONDO:0011400, OMIM 604145.
Tibial muscular dystrophy (TMD). Also called: Tibial muscular dystrophy, tardive; UDD MYOPATHY; Udd Distal Myopathy – Tibial Muscular Dystrophy. Identifiers: Orphanet 609, MedGen C1838244, MONDO:0010870, OMIM 600334.
Myopathy, myofibrillar, 9, with early respiratory failure (MFM9). Also called: Hereditary myopathy with early respiratory failure; MYOPATHY, PROXIMAL, WITH EARLY RESPIRATORY MUSCLE INVOLVEMENT; Myopathy, distal, with early respiratory failure, autosomal dominant; EDSTROM MYOPATHY. Identifiers: Orphanet 178464, Orphanet 34521, MedGen C1863599, MONDO:0011362, OMIM 603689.
Autosomal recessive limb-girdle muscular dystrophy type 2J (LGMDR10). Also called: Limb-girdle muscular dystrophy, type 2J; MUSCULAR DYSTROPHY, LIMB-GIRDLE, AUTOSOMAL RECESSIVE 10. Identifiers: Orphanet 140922, MedGen C1837342, MONDO:0012127, OMIM 608807.

Allele frequency attached by ClinVar (database versions not stated): TOPMed 0.00016; gnomAD exomes 0.00018 and 0.00023; gnomAD 0.00019; ExAC 0.00021; ESP Exome Variant Server 0.00075.
gnomAD v4.1: 359 of 1,613,642 alleles (0.022%); highest among the groups gnomAD compares: Non-Finnish European, 0.027%; 1 homozygote.

Submissions (15):

OLLIN Analises Genomicas, OLLIN
Classification: Uncertain significance for Tibial muscular dystrophy. Last evaluated: 2026-08-06. Review status: criteria provided, single submitter. Criteria: ACMG Guidelines 2015 PMID 25741868. Collection method: clinical testing. Allele origin: germline. Inheritance: Autosomal dominant inheritance.
Comment: This missense variant, located in exon 81 (of 363), has been reported in ClinVar (accession VCV000229399.67) and in gnomAD with an allele frequency of 0.022%. However, to our knowledge, it has not been reported in the scientific literature. In silico analysis predicts that this variant has a tolerated effect. According to the currently available evidence, this variant has been classified as uncertain significance (BP4).

CeGaT Center for Human Genetics Tuebingen
Classification: Likely benign. Last evaluated: 2026-06-01. Review status: criteria provided, single submitter. Criteria: CeGaT Center For Human Genetics Tuebingen Variant Classification Criteria Version 2. Collection method: clinical testing. Allele origin: germline. Affected: yes. Observed: 10 variant alleles.
Comment: TTN: BP4

PreventionGenetics, part of Exact Sciences
Classification: Likely benign for TTN-related condition. Last evaluated: 2025-05-20. Review status: criteria provided, single submitter. Criteria: ACMG Guidelines, 2015. Collection method: clinical testing. Allele origin: germline.
Comment: This variant is classified as likely benign based on ACMG/AMP sequence variant interpretation guidelines (Richards et al. 2015 PMID: 25741868, with internal and published modifications).

Blueprint Genetics
Classification: Likely benign. Last evaluated: 2024-08-15. Review status: criteria provided, single submitter. Criteria: ACMG Guidelines, 2015. Collection method: clinical testing. Allele origin: germline.

Revvity Omics, Revvity
Classification: Uncertain significance. Last evaluated: 2023-09-13. Review status: criteria provided, single submitter. Criteria: ACMG Guidelines, 2015. Collection method: clinical testing. Allele origin: germline.

Mayo Clinic Laboratories, Mayo Clinic
Classification: Uncertain significance. Last evaluated: 2021-12-23. Review status: criteria provided, single submitter. Criteria: ACMG Guidelines, 2015. Collection method: clinical testing. Allele origin: germline.

GeneDx
Classification: Likely benign. Last evaluated: 2020-11-25. Review status: criteria provided, single submitter. Criteria: GeneDx Variant Classification Process June 2021. Collection method: clinical testing. Allele origin: germline. Affected: yes.

ARUP Laboratories, Molecular Genetics and Genomics, ARUP Laboratories
Classification: Uncertain significance. Last evaluated: 2019-08-12. Review status: criteria provided, single submitter. Criteria: ARUP Molecular Germline Variant Investigation Process. Collection method: clinical testing. Allele origin: germline.
Comment: The TTN c.23455G>C; p.Glu7819Gln variant (rs201420077; ClinVar Variation ID: 229399) is rare in the general population (<1% allele frequency in the Genome Aggregation Database) and has not been reported in the medical literature in association with dilated cardiomyopathy (DCM) or other TTN-related disease. The clinical relevance of rare missense variants in this gene, which are identified on average once per individual sequenced in affected populations (Herman 2012), is not well understood. Yet, evidence suggests that the vast majority of such missense variants do not contribute to the clinical outcome of DCM (Begay 2015). Thus, the clinical significance of the p.Glu7819Gln variant cannot be determined with certainty. References: Begay RL et al. Role of Titin Missense Variants in Dilated Cardiomyopathy. J Am Heart Assoc. 2015 Nov 13;4(11).

Illumina Laboratory Services, Illumina
Classification: Uncertain significance for Dilated cardiomyopathy 1G. Last evaluated: 2018-01-13. Review status: criteria provided, single submitter. Criteria: ICSL Variant Classification Criteria 13 December 2019. Collection method: clinical testing. Allele origin: germline.

Illumina Laboratory Services, Illumina
Classification: Benign for Myopathy, myofibrillar, 9, with early respiratory failure. Last evaluated: 2018-01-13. Review status: criteria provided, single submitter. Criteria: ICSL Variant Classification Criteria 13 December 2019. Collection method: clinical testing. Allele origin: germline.
Comment: This variant was observed in the ICSL laboratory as part of a predisposition screen in an ostensibly healthy population. It had not been previously curated by ICSL or reported in the Human Gene Mutation Database (HGMD: prior to June 1st, 2018), and was therefore a candidate for classification through an automated scoring system. Utilizing variant allele frequency, disease prevalence and penetrance estimates, and inheritance mode, an automated score was calculated to assess if this variant is too frequent to cause the disease. Based on the score and internal cut-off values, a variant classified as benign is not then subjected to further curation. The score for this variant resulted in a classification of benign for this disease.

Illumina Laboratory Services, Illumina
Classification: Benign for Tibial muscular dystrophy. Last evaluated: 2018-01-13. Review status: criteria provided, single submitter. Criteria: ICSL Variant Classification Criteria 13 December 2019. Collection method: clinical testing. Allele origin: germline.
Comment: the same text as in the submission from Illumina Laboratory Services, Illumina above.

Illumina Laboratory Services, Illumina
Classification: Uncertain significance for Autosomal recessive limb-girdle muscular dystrophy type 2J. Last evaluated: 2018-01-13. Review status: criteria provided, single submitter. Criteria: ICSL Variant Classification Criteria 13 December 2019. Collection method: clinical testing. Allele origin: germline.

Illumina Laboratory Services, Illumina
Classification: Uncertain significance for Early-onset myopathy with fatal cardiomyopathy. Last evaluated: 2018-01-13. Review status: criteria provided, single submitter. Criteria: ICSL Variant Classification Criteria 13 December 2019. Collection method: clinical testing. Allele origin: germline.

Eurofins Ntd Llc (ga)
Classification: Uncertain significance. Last evaluated: 2017-05-25. Review status: criteria provided, single submitter. Criteria: EGL Classification Definitions 2015. Collection method: clinical testing. Allele origin: germline. Observed: 3 variant alleles, 2 heterozygotes.

Laboratory for Molecular Medicine, Mass General Brigham Personalized Medicine
Classification: Uncertain significance. Last evaluated: 2015-05-28. Review status: criteria provided, single submitter. Criteria: LMM Criteria. Collection method: clinical testing. Allele origin: germline. Observed: 1 variant allele.
Comment: The p.Glu6575Gln variant in TTN has not been previously reported in individuals with cardiomyopathy but has been indentified in 24/66554 European chromosomes by the Exome Aggregation Consortium (ExAC; dbSNP r s201420077). Computational prediction tools and conservation analysis do not pro vide strong support for or against an impact to the protein. In summary, the cli nical significance of the p.Glu6575Gln variant is uncertain.